The following is an entry in ClinVar:

NM_001382422.1(EXOC3L2):c.2365C>T (p.Arg789Trp)

Genes: BLOC1S3 (biogenesis of lysosomal organelles complex 1 subunit 3; plus strand), EXOC3L2 (exocyst complex component 3 like 2; minus strand). Cytogenetic location: 19q13.32.
Variant type: single nucleotide variant.
Coding change: c.2365C>T on transcript NM_001382422.1 (MANE Select); coding-DNA position 2365, C replaced by T.
Protein change: p.Arg789Trp; replaces arginine 789 with tryptophan.
Molecular consequence: missense variant.
Genome position (GRCh38, 1-based): chr19:45,213,113, G>A on the plus strand (C>T on the coding strand, the complement: EXOC3L2 is on the minus strand). VCF-style: chr19-45213113-G-A. GRCh37 (hg19) VCF-style: chr19-45716371-G-A.
Other names: short protein forms R789W.
Identifiers: ClinVar variation 2898955 (VCV002898955.3), dbSNP rs748055208, ClinGen allele CA9510340.

ClinVar aggregate classification (germline): Uncertain significance (1 of 4 stars; one submission).

Allele frequency attached by ClinVar (database versions not stated): gnomAD exomes 0.00002; TOPMed 0.00006; ExAC 0.00012.

Submission:

Labcorp Genetics (formerly Invitae), Labcorp
Classification: Uncertain significance. Last evaluated: 2025-08-21. Review status: criteria provided, single submitter. Criteria: Invitae Variant Classification Sherloc (09022015). Collection method: clinical testing. Allele origin: germline.
Comment: This sequence change replaces arginine, which is basic and polar, with tryptophan, which is neutral and slightly polar, at codon 396 of the EXOC3L2 protein (p.Arg396Trp). This variant is present in population databases (rs748055208, gnomAD 0.06%). This variant has not been reported in the literature in individuals affected with EXOC3L2-related conditions. ClinVar contains an entry for this variant (Variation ID: 2898955). An algorithm developed to predict the effect of missense changes on protein structure and function outputs the following: PolyPhen-2: "Not Available". The tryptophan amino acid residue is found in multiple mammalian species, which suggests that this missense change does not adversely affect protein function. In summary, the available evidence is currently insufficient to determine the role of this variant in disease. Therefore, it has been classified as a Variant of Uncertain Significance.